The following is an entry in ClinVar:

ClinVar aggregate classification (germline): Pathogenic/Likely pathogenic. Review status: criteria provided, multiple submitters, no conflicts (2 of 4 stars). 5 submissions from 5 submitters: Pathogenic (2); Likely pathogenic (3). Last evaluated 2025-08-12.

Conditions:
Microcephaly-intellectual disability-sensorineural hearing loss-epilepsy-abnormal muscle tone syndrome (NEDHSB). Also called: NEURODEVELOPMENTAL DISORDER WITH HEARING LOSS, SEIZURES, AND BRAIN ABNORMALITIES. Identifiers: Orphanet 457351, MedGen C4225276, MONDO:0014698, OMIM 616577.
SPATA5-related disorder.

Allele frequency attached by ClinVar (database versions not stated): ExAC 0.00001; gnomAD exomes 0.00002; gnomAD 0.00004 and 0.00005; TOPMed 0.00004.
gnomAD v4.1: 109 of 1,613,996 alleles (0.0068%); highest among the groups gnomAD compares: Non-Finnish European, 0.0078%; no homozygotes.

Submissions (5):

Variantyx, Inc.
Classification: Likely pathogenic for Microcephaly-intellectual disability-sensorineural hearing loss-epilepsy-abnormal muscle tone syndrome. Last evaluated: 2025-08-12. Review status: criteria provided, single submitter. Criteria: Variantyx Assertion Criteria 2022. Collection method: clinical testing. Allele origin: germline. Inheritance: Autosomal recessive inheritance. Affected: no.
Comment: This is a nonsense variant in the AFG2A gene (OMIM: 613940). Pathogenic variants in this gene have been associated with autosomal recessive neurodevelopmental disorder with hearing loss, seizures, and brain abnormalities. This variant introduces a premature termination codon in exon 11 out of 16 and is expected to result in loss of function, which is a known disease mechanism for AFG2A in this disorder (PMID: 26299366) (PVS1). This variant has a 0.0078% maximum allele frequency in non-founder control populations (PM2). Based on the current evidence, this variant is classified as likely pathogenic for autosomal recessive neurodevelopmental disorder with hearing loss, seizures, and brain abnormalities.

Labcorp Genetics (formerly Invitae), Labcorp
Classification: Pathogenic for Microcephaly-intellectual disability-sensorineural hearing loss-epilepsy-abnormal muscle tone syndrome. Last evaluated: 2024-10-30. Review status: criteria provided, single submitter. Criteria: Invitae Variant Classification Sherloc (09022015). Collection method: clinical testing. Allele origin: germline.
Comment: This sequence change creates a premature translational stop signal (p.Arg655*) in the SPATA5 gene. It is expected to result in an absent or disrupted protein product. Loss-of-function variants in SPATA5 are known to be pathogenic (PMID: 26299366). This variant is present in population databases (rs763737752, gnomAD 0.007%). This variant has not been reported in the literature in individuals affected with SPATA5-related conditions. ClinVar contains an entry for this variant (Variation ID: 836262). For these reasons, this variant has been classified as Pathogenic.

GeneDx
Classification: Pathogenic. Last evaluated: 2024-01-25. Review status: criteria provided, single submitter. Criteria: GeneDx Variant Classification Process June 2021. Collection method: clinical testing. Allele origin: germline. Affected: yes.
Comment: Nonsense variant predicted to result in protein truncation or nonsense mediated decay in a gene for which loss-of-function is a known mechanism of disease; Not observed at significant frequency in large population cohorts (gnomAD); Has not been previously published as pathogenic or benign to our knowledge

Blueprint Genetics
Classification: Likely pathogenic for SPATA5-related disorders. Last evaluated: 2021-09-07. Review status: criteria provided, single submitter. Criteria: ACMG Guidelines, 2015. Collection method: clinical testing. Allele origin: germline. Affected: yes. Observed: 1 variant allele.

Juno Genomics, Hangzhou Juno Genomics, Inc
Classification: Likely pathogenic for Microcephaly-intellectual disability-sensorineural hearing loss-epilepsy-abnormal muscle tone syndrome. Review status: criteria provided, single submitter. Criteria: ACMG Guidelines, 2015. Collection method: clinical testing. Allele origin: germline. Affected: yes.
Comment: Null variant in a gene where loss of function (LOF) is a known mechanism of disease.;Absent from controls (or at extremely low frequency if recessive) in Genome Aggregation Database, Exome Sequencing Project, 1000 Genomes Project, or Exome Aggregation Consortium.

Literature cited by the submitters: PubMed 26299366 (cited by Variantyx, Inc. and Labcorp Genetics (formerly Invitae), Labcorp).

NM_145207.3(AFG2A):c.1963C>T (p.Arg655Ter)

Gene: AFG2A (AAA ATPase AFG2A; plus strand). Cytogenetic location: 4q28.1.
Variant type: single nucleotide variant.
Coding change: c.1963C>T on transcript NM_145207.3 (MANE Select); coding-DNA position 1963, C replaced by T.
Protein change: p.Arg655Ter; replaces arginine 655 with a stop codon.
Molecular consequence: nonsense.
Genome position (GRCh38, 1-based): chr4:123,028,279, C>T. VCF-style: chr4-123028279-C-T. GRCh37 (hg19) VCF-style: chr4-123949434-C-T.
Other names: c.1960C>T, p.Arg654Ter (NM_001317799.2, NM_001345856.2); short protein forms R655*, R654*.
Identifiers: ClinVar variation 836262 (VCV000836262.14), dbSNP rs763737752, ClinGen allele CA3070593.
Genomic context (GRCh38, chr4:123,028,279, plus strand): 5'-ATCAAACTGAAGTTGGAACAGGCTGTGGAATGGCCCTTAAAACATCCAGAGTCTTTCATT[C>T]GAATGGGTATTCAGCCACCTAAAGGAGTTCTTCTCTATGGGCCACCTGGGTGCTCTAAAA-3'